The following is an entry in ClinVar:

NM_024417.5(FDXR):c.717+4C>G

Gene: FDXR (ferredoxin reductase; minus strand). Cytogenetic location: 17q25.1.
Variant type: single nucleotide variant.
Coding change: c.717+4C>G on transcript NM_024417.5 (MANE Select); 4 bases into the intron after coding-DNA position 717, C replaced by G.
Molecular consequence: intron variant.
Genome position (GRCh38, 1-based): chr17:74,864,820, G>C on the plus strand (C>G on the coding strand, the complement: FDXR is on the minus strand). VCF-style: chr17-74864820-G-C. GRCh37 (hg19) VCF-style: chr17-72860942-G-C.
Other names: c.693+4C>G (NM_001258014.4); c.735+4C>G (NM_004110.6); c.597+4C>G (NM_001258015.3); c.846+4C>G (NM_001258012.4); c.810+4C>G (NM_001258013.4); c.561+4C>G (NM_001258016.3).
Identifiers: ClinVar variation 4989579 (VCV004989579.1).

ClinVar aggregate classification (germline): Uncertain significance (1 of 4 stars; one submission).

Conditions:
FDXR-related disorder. Also called: FDXR-related condition; FDXR-related disorders.

gnomAD v4.1: 5 of 1,613,916 alleles (0.00031%); highest among the groups gnomAD compares: Non-Finnish European, 0.00042%; no homozygotes.

Submission:

PreventionGenetics, part of Exact Sciences
Classification: Uncertain significance for FDXR-related condition. Last evaluated: 2026-01-13. Review status: criteria provided, single submitter. Criteria: ACMG Guidelines, 2015. Collection method: clinical testing. Allele origin: germline.
Comment: The FDXR c.717+4C>G variant is predicted to interfere with splicing. This variant is predicted to impact splicing based on available splicing prediction programs (SpliceAI, Jaganathan et al. 2019. PubMed ID: 30661751). To our knowledge, this variant has not been reported in the literature or in a large population database (gnomAD), indicating this variant is rare. At this time, the clinical significance of this variant is uncertain due to the absence of conclusive functional and genetic evidence.